The following is an entry in ClinVar:

ClinVar aggregate classification (germline): Pathogenic. Review status: criteria provided, multiple submitters, no conflicts (2 of 4 stars). 2 submissions from 2 submitters: Pathogenic (2). Last evaluated 2024-11-29.

Conditions:
Autosomal recessive nonsyndromic hearing loss 3. Also called: NEUROSENSORY NONSYNDROMIC RECESSIVE DEAFNESS 3. Identifiers: Orphanet 90636, MedGen C1838263, MONDO:0010860, OMIM 600316.

Submissions (2):

Women's Health and Genetics/Laboratory Corporation of America, LabCorp
Classification: Pathogenic for Autosomal recessive nonsyndromic hearing loss 3. Last evaluated: 2024-11-29. Review status: criteria provided, single submitter. Criteria: LabCorp Variant Classification Summary - May 2015. Collection method: clinical testing. Allele origin: germline.
Comment: Variant summary: MYO15A c.2748dupA (p.Glu917ArgfsX63) results in a premature termination codon, predicted to cause absence of the protein due to nonsense mediated decay, which is a commonly known mechanism for disease. The variant was absent in 186886 control chromosomes (gnomAD). To our knowledge, no occurrence of c.2748dupA in individuals affected with Autosomal Recessive Nonsyndromic Hearing Loss 3 and no experimental evidence demonstrating its impact on protein function have been reported. No submitters have cited clinical-significance assessments for this variant to ClinVar. Based on the evidence outlined above, the variant was classified as pathogenic.

Labcorp Genetics (formerly Invitae), Labcorp
Classification: Pathogenic. Last evaluated: 2024-02-22. Review status: criteria provided, single submitter. Criteria: Invitae Variant Classification Sherloc (09022015). Collection method: clinical testing. Allele origin: germline.
Comment: This sequence change creates a premature translational stop signal (p.Glu917Argfs*63) in the MYO15A gene. It is expected to result in an absent or disrupted protein product. Loss-of-function variants in MYO15A are known to be pathogenic (PMID: 17546645). This variant is not present in population databases (gnomAD no frequency). This variant has not been reported in the literature in individuals affected with MYO15A-related conditions. For these reasons, this variant has been classified as Pathogenic.

Literature cited by the submitters: PubMed 17546645 (cited by Labcorp Genetics (formerly Invitae), Labcorp).

NM_016239.4(MYO15A):c.2748dup (p.Glu917fs)

Gene: MYO15A (myosin XVA; plus strand). Cytogenetic location: 17p11.2.
Variant type: Duplication.
Coding change: c.2748dup on transcript NM_016239.4 (MANE Select); coding-DNA position 2748, one base duplicated (A; older notation c.2748dupA).
Protein change: p.Glu917fs; shifts the reading frame from glutamic acid 917.
Molecular consequence: frameshift variant.
Genome position (GRCh38, 1-based): chr17:18,121,548, A duplicated. VCF-style (leftmost placement, unchanged base first): chr17-18121547-C-CA. GRCh37 (hg19) VCF-style: chr17-18024861-C-CA.
Other names: c.2748dupA (NM_016239.4); short protein forms E917fs.
Identifiers: ClinVar variation 3629515 (VCV003629515.4).